The following is an entry in ClinVar:

ClinVar aggregate classification (germline): Likely pathogenic. Review status: criteria provided, single submitter (1 of 4 stars). 2 submissions from 2 submitters: Likely pathogenic (1). 1 of the submissions does not count toward it. Last evaluated 2025-05-22.

Conditions:
Sandhoff disease. Also called: GM2-GANGLIOSIDOSIS, TYPE II; Beta-hexosaminidase-beta-subunit deficiency; GM2 gangliosidosis, type 2; Total hexosaminidase deficiency; Sandhoff-Jatzkewitz-Pilz disease; HEXOSAMINIDASES A AND B DEFICIENCY. Identifiers: Orphanet 796, MedGen C0036161, MONDO:0010006, OMIM 268800.

gnomAD v4.1: 3 of 1,598,226 alleles (0.00019%); highest among the groups gnomAD compares: Non-Finnish European, 0.000086%; no homozygotes.

Submissions (2):

Natera, Inc.
Classification: Likely pathogenic for Sandhoff disease. Last evaluated: 2025-05-22. Review status: criteria provided, single submitter. Criteria: Natera Variant Classification Schema (03/2026). Collection method: clinical testing. Allele origin: germline.
Comment: The c.1242+3G>T variant in HEXB is an intronic variant located outside the canonical splice sites. This variant is rare in the general population with a frequency below the threshold expected for the associated phenotype(s). This variant has been observed in one or more individuals affected with the associated recessive disease, as either homozygous or compound heterozygous with a second variant (PMID: 30712135). This variant has been identified in one or more affected individuals with a phenotype highly consistent with the associated gene (PMID: 30712135). Computational prediction algorithms indicate this variant is likely to affect gene or protein function. Given the available evidence, this variant is classified as Likely Pathogenic.

Myelin Disorders Clinic-Children's Medical Center/Medical Genetics Lab-Tarbiat Modares University, Children's Medical Center, Pediatrics Center of Excellence,
Classification: Likely pathogenic for Sandhoff disease. Review status: no assertion criteria provided. Collection method: clinical testing. Allele origin: inherited. Inheritance: Autosomal recessive inheritance. Affected: yes. Not counted in ClinVar's aggregate classification.

Literature cited by the submitters: PubMed 30712135 (cited by Natera, Inc.).

NM_000521.4(HEXB):c.1242+3G>T

Gene: HEXB (hexosaminidase subunit beta; plus strand). Cytogenetic location: 5q13.3.
Variant type: single nucleotide variant.
Coding change: c.1242+3G>T on transcript NM_000521.4 (MANE Select); 3 bases into the intron after coding-DNA position 1242, G replaced by T.
Molecular consequence: intron variant.
Genome position (GRCh38, 1-based): chr5:74,718,366, G>T. VCF-style: chr5-74718366-G-T. GRCh37 (hg19) VCF-style: chr5-74014191-G-T.
Other names: c.567+3G>T (NM_001292004.2).
Identifiers: ClinVar variation 984691 (VCV000984691.3), dbSNP rs778226392, ClinGen allele CA560367577.